The following is an entry in ClinVar:

NM_006929.5(SKIC2):c.1190T>C (p.Ile397Thr)

Genes: SKIC2 (SKI2 subunit of superkiller complex; plus strand), LOC126859653 (CDK7 strongly-dependent group 2 enhancer GRCh37_chr6:31929542-31930741; plus strand). Cytogenetic location: 6p21.33.
Variant type: single nucleotide variant.
Coding change: c.1190T>C on transcript NM_006929.5 (MANE Select); coding-DNA position 1190, T replaced by C.
Protein change: p.Ile397Thr; replaces isoleucine 397 with threonine.
Molecular consequence: missense variant.
Genome position (GRCh38, 1-based): chr6:31,962,564, T>C. VCF-style: chr6-31962564-T-C. GRCh37 (hg19) VCF-style: chr6-31930341-T-C.
Other names: p.Ile397Thr; short protein forms I397T.
Identifiers: ClinVar variation 1020597 (VCV001020597.7), dbSNP rs1159404256, ClinGen allele CA363451982.

ClinVar aggregate classification (germline): Uncertain significance. Review status: criteria provided, multiple submitters, no conflicts (2 of 4 stars). 2 submissions from 2 submitters: Uncertain significance (2). Last evaluated 2025-05-06.

Allele frequency attached by ClinVar (database versions not stated): gnomAD 0.00001; gnomAD exomes 0.00001; TOPMed below 0.00001.
gnomAD v4.1: 6 of 1,613,586 alleles (0.00037%); highest among the groups gnomAD compares: Non-Finnish European, 0.00051%; no homozygotes.

Submissions (2):

Mayo Clinic Laboratories, Mayo Clinic
Classification: Uncertain significance. Last evaluated: 2025-05-06. Review status: criteria provided, single submitter. Criteria: ACMG Guidelines, 2015. Collection method: clinical testing. Allele origin: germline. Observed: 1 variant allele.
Comment: PP3, PM2_supporting

Labcorp Genetics (formerly Invitae), Labcorp
Classification: Uncertain significance. Last evaluated: 2021-08-27. Review status: criteria provided, single submitter. Criteria: Invitae Variant Classification Sherloc (09022015). Collection method: clinical testing. Allele origin: germline.
Comment: This sequence change replaces isoleucine with threonine at codon 397 of the SKIV2L protein (p.Ile397Thr). The isoleucine residue is highly conserved and there is a moderate physicochemical difference between isoleucine and threonine. This variant is not present in population databases (ExAC no frequency). This variant has not been reported in the literature in individuals affected with SKIV2L-related conditions. Algorithms developed to predict the effect of missense changes on protein structure and function are either unavailable or do not agree on the potential impact of this missense change (SIFT: "Deleterious"; PolyPhen-2: "Probably Damaging"; Align-GVGD: "Class C0"). In summary, the available evidence is currently insufficient to determine the role of this variant in disease. Therefore, it has been classified as a Variant of Uncertain Significance.